The following is an entry in ClinVar:

ClinVar aggregate classification (germline): Uncertain significance. Review status: criteria provided, multiple submitters, no conflicts (2 of 4 stars). 2 submissions from 2 submitters: Uncertain significance (2). Last evaluated 2024-04-05.

Conditions:
Hereditary breast ovarian cancer syndrome. Also called: BRCA1- and BRCA2-Associated Hereditary Breast and Ovarian Cancer; Hereditary breast and ovarian cancer; Hereditary breast and/or ovarian cancer syndrome; Hereditary breast and ovarian cancer syndrome; Hereditary breast and ovarian cancer syndrome (HBOC); Breast and ovarian cancer. Identifiers: Orphanet 145, MedGen C0677776, MeSH D061325, MONDO:0003582. Disease mechanism: loss of function.
Hereditary cancer-predisposing syndrome. Also called: Neoplastic Syndromes, Hereditary; Hereditary Cancer Syndrome; Tumor predisposition; Hereditary neoplastic syndrome. Identifiers: Orphanet 140162, MedGen C0027672, MeSH D009386, MONDO:0015356.

Submissions (2):

Labcorp Genetics (formerly Invitae), Labcorp
Classification: Uncertain significance for Hereditary breast ovarian cancer syndrome. Last evaluated: 2024-04-05. Review status: criteria provided, single submitter. Criteria: Invitae Variant Classification Sherloc (09022015). Collection method: clinical testing. Allele origin: germline.
Comment: This sequence change replaces arginine, which is basic and polar, with serine, which is neutral and polar, at codon 3381 of the BRCA2 protein (p.Arg3381Ser). This variant is not present in population databases (gnomAD no frequency). This variant has not been reported in the literature in individuals affected with BRCA2-related conditions. ClinVar contains an entry for this variant (Variation ID: 574148). Advanced modeling of protein sequence and biophysical properties (such as structural, functional, and spatial information, amino acid conservation, physicochemical variation, residue mobility, and thermodynamic stability) performed at Invitae indicates that this missense variant is not expected to disrupt BRCA2 protein function with a negative predictive value of 95%. In summary, the available evidence is currently insufficient to determine the role of this variant in disease. Therefore, it has been classified as a Variant of Uncertain Significance.

Ambry Genetics
Classification: Uncertain significance for Hereditary cancer-predisposing syndrome. Last evaluated: 2024-03-28. Review status: criteria provided, single submitter. Criteria: Ambry Variant Classification Scheme 2023. Collection method: clinical testing. Allele origin: germline.
Comment: The p.R3381S variant (also known as c.10143A>T), located in coding exon 26 of the BRCA2 gene, results from an A to T substitution at nucleotide position 10143. The arginine at codon 3381 is replaced by serine, an amino acid with dissimilar properties. This amino acid position is poorly conserved in available vertebrate species. In addition, this alteration is predicted to be tolerated by in silico analysis. Since supporting evidence is limited at this time, the clinical significance of this alteration remains unclear.

NM_000059.4(BRCA2):c.10143A>T (p.Arg3381Ser)

Gene: BRCA2 (BRCA2 DNA repair associated; plus strand). Cytogenetic location: 13q13.1.
Variant type: single nucleotide variant.
Coding change: c.10143A>T on transcript NM_000059.4 (MANE Select); coding-DNA position 10143, A replaced by T.
Protein change: p.Arg3381Ser; replaces arginine 3381 with serine.
Molecular consequence: missense variant.
Genome position (GRCh38, 1-based): chr13:32,398,656, A>T. VCF-style: chr13-32398656-A-T. GRCh37 (hg19) VCF-style: chr13-32972793-A-T.
Other names: short protein forms R3381S.
Identifiers: ClinVar variation 574148 (VCV000574148.14), dbSNP rs1566261458, ClinGen allele CA387768140.